The following is an entry in ClinVar:

ClinVar aggregate classification (germline): Uncertain significance (1 of 4 stars; one submission).

Conditions:
Hereditary cancer-predisposing syndrome. Also called: Neoplastic Syndromes, Hereditary; Tumor predisposition; Hereditary Cancer Syndrome; Hereditary neoplastic syndrome. Identifiers: Orphanet 140162, MedGen C0027672, MeSH D009386, MONDO:0015356.

Submission:

Ambry Genetics
Classification: Uncertain significance for Hereditary cancer-predisposing syndrome. Last evaluated: 2025-10-31. Review status: criteria provided, single submitter. Criteria: Ambry Variant Classification Scheme 2023. Collection method: clinical testing. Allele origin: germline.
Comment: The p.S260C variant (also known as c.778A>T), located in coding exon 1 of the AXIN2 gene, results from an A to T substitution at nucleotide position 778. The serine at codon 260 is replaced by cysteine, an amino acid with dissimilar properties. This amino acid position is not well conserved in available vertebrate species. In addition, this alteration is predicted to be tolerated by in silico analysis. Based on the available evidence, the clinical significance of this variant remains unclear.

NM_004655.4(AXIN2):c.778A>T (p.Ser260Cys)

Gene: AXIN2 (axin 2; minus strand). Cytogenetic location: 17q24.1.
Variant type: single nucleotide variant.
Coding change: c.778A>T on transcript NM_004655.4 (MANE Select); coding-DNA position 778, A replaced by T.
Protein change: p.Ser260Cys; replaces serine 260 with cysteine.
Molecular consequence: missense variant.
Genome position (GRCh38, 1-based): chr17:65,557,843, T>A on the plus strand (A>T on the coding strand, the complement: AXIN2 is on the minus strand). VCF-style: chr17-65557843-T-A. GRCh37 (hg19) VCF-style: chr17-63553961-T-A.
Other names: c.778A>T, p.Ser260Cys (NM_001363813.1); short protein forms S260C.
Identifiers: ClinVar variation 1760630 (VCV001760630.3), dbSNP rs2544247143, ClinGen allele CA400680294.